The following is an entry in ClinVar:

NM_004415.4(DSP):c.1891C>T (p.Gln631Ter)

Gene: DSP (desmoplakin; plus strand). Cytogenetic location: 6p24.3.
Variant type: single nucleotide variant.
Coding change: c.1891C>T on transcript NM_004415.4 (MANE Select); coding-DNA position 1891, C replaced by T.
Protein change: p.Gln631Ter; replaces glutamine 631 with a stop codon.
Molecular consequence: nonsense.
Genome position (GRCh38, 1-based): chr6:7,571,572, C>T. VCF-style: chr6-7571572-C-T. GRCh37 (hg19) VCF-style: chr6-7571805-C-T.
Other names: c.1891C>T, p.Gln631Ter (NM_001008844.3, NM_001319034.2); short protein forms Q631*.
Identifiers: ClinVar variation 3767931 (VCV003767931.2).
Genomic context (GRCh38, chr6:7,571,572, plus strand): 5'-CAGTTCACCGATGCCCAGAAGCATTACCAGACCCTGGTCATTCAGCTCCCTGGCTATCCC[C>T]AGCACCAGACAGGTCGGCTTGGGACATCTTTCTCTTTGTATCAACCATCCATACCATTTT-3'

ClinVar aggregate classification (germline): Pathogenic/Likely pathogenic. Review status: criteria provided, multiple submitters, no conflicts (2 of 4 stars). 2 submissions from 2 submitters: Pathogenic (1); Likely pathogenic (1). Last evaluated 2025-03-19.

Conditions:
Arrhythmogenic cardiomyopathy with wooly hair and keratoderma. Also called: PALMOPLANTAR KERATODERMA WITH LEFT VENTRICULAR CARDIOMYOPATHY AND WOOLLY HAIR; Carvajal syndrome; Dilated cardiomyopathy with woolly hair and keratoderma; Arrhythmogenic cardiomyopathy with woolly hair and keratoderma. Identifiers: Orphanet 65282, MedGen C1854063, MONDO:0011581, OMIM 605676.
Arrhythmogenic right ventricular dysplasia 8 (ARVD8). Also called: Arrhythmogenic Right Ventricular Dysplasia/Cardiomyopathy 8; ARRHYTHMOGENIC RIGHT VENTRICULAR CARDIOMYOPATHY 8; ARRHYTHMOGENIC RIGHT VENTRICULAR DYSPLASIA, FAMILIAL, 8. Identifiers: MedGen C1843896, MONDO:0011831, OMIM 607450.
Cardiovascular phenotype. Identifiers: MedGen CN230736.

Submissions (2):

Labcorp Genetics (formerly Invitae), Labcorp
Classification: Pathogenic for Arrhythmogenic cardiomyopathy with wooly hair and keratoderma; Arrhythmogenic right ventricular dysplasia 8. Last evaluated: 2025-03-19. Review status: criteria provided, single submitter. Criteria: Invitae Variant Classification Sherloc (09022015). Collection method: clinical testing. Allele origin: germline.
Comment: This sequence change creates a premature translational stop signal (p.Gln631*) in the DSP gene. It is expected to result in an absent or disrupted protein product. Loss-of-function variants in DSP are known to be pathogenic (PMID: 20716751, 24503780, 25227139). This variant is not present in population databases (gnomAD no frequency). This premature translational stop signal has been observed in individual(s) with DSP-related conditions (PMID: 31514951). Algorithms developed to predict the effect of sequence changes on RNA splicing suggest that this variant may disrupt the consensus splice site. For these reasons, this variant has been classified as Pathogenic.

Molecular Diagnostic Laboratory for Inherited Cardiovascular Disease, Montreal Heart Institute
Classification: Likely pathogenic for Cardiovascular phenotype. Last evaluated: 2023-07-06. Review status: criteria provided, single submitter. Criteria: ACMG Guidelines, 2015. Collection method: clinical testing. Allele origin: germline. Affected: yes.

Literature cited by the submitters: PubMed 20716751 (cited by Labcorp Genetics (formerly Invitae), Labcorp); PubMed 24503780 (cited by Labcorp Genetics (formerly Invitae), Labcorp); PubMed 25227139 (cited by Labcorp Genetics (formerly Invitae), Labcorp); PubMed 31514951 (cited by Labcorp Genetics (formerly Invitae), Labcorp).